The following is an entry in ClinVar:

ClinVar aggregate classification (germline): Uncertain significance. Review status: criteria provided, multiple submitters, no conflicts (2 of 4 stars). 2 submissions from 2 submitters: Uncertain significance (2). Last evaluated 2025-03-10.

Conditions:
Inborn genetic diseases. Identifiers: MedGen C0950123, MeSH D030342.

Allele frequency attached by ClinVar (database versions not stated): gnomAD 0.00001; TOPMed 0.00003.
gnomAD v4.1: 4 of 1,613,442 alleles (0.00025%); highest among the groups gnomAD compares: Admixed American, 0.0017%; no homozygotes.

Submissions (2):

Labcorp Genetics (formerly Invitae), Labcorp
Classification: Uncertain significance. Last evaluated: 2025-03-10. Review status: criteria provided, single submitter. Criteria: Invitae Variant Classification Sherloc (09022015). Collection method: clinical testing. Allele origin: germline.
Comment: This sequence change replaces lysine, which is basic and polar, with arginine, which is basic and polar, at codon 516 of the ERCC6L2 protein (p.Lys516Arg). This variant is not present in population databases (gnomAD no frequency). This variant has not been reported in the literature in individuals affected with ERCC6L2-related conditions. ClinVar contains an entry for this variant (Variation ID: 2139065). Experimental studies and prediction algorithms are not available or were not evaluated, and the functional significance of this variant is currently unknown. In summary, the available evidence is currently insufficient to determine the role of this variant in disease. Therefore, it has been classified as a Variant of Uncertain Significance.

Ambry Genetics
Classification: Uncertain significance for Inborn genetic diseases. Last evaluated: 2024-10-04. Review status: criteria provided, single submitter. Criteria: Ambry Variant Classification Scheme 2023. Collection method: clinical testing. Allele origin: germline.
Comment: The p.K505R variant (also known as c.1514A>G), located in coding exon 9 of the ERCC6L2 gene, results from an A to G substitution at nucleotide position 1514. The lysine at codon 505 is replaced by arginine, an amino acid with highly similar properties. This amino acid position is conserved. In addition, this alteration is predicted to be tolerated by in silico analysis. Based on the available evidence, the clinical significance of this variant remains unclear.

NM_020207.7(ERCC6L2):c.1514A>G (p.Lys505Arg)

Gene: ERCC6L2 (ERCC excision repair 6 like 2; plus strand). Cytogenetic location: 9q22.32.
Variant type: single nucleotide variant.
Coding change: c.1514A>G on transcript NM_020207.7 (MANE Select); coding-DNA position 1514, A replaced by G.
Protein change: p.Lys505Arg; replaces lysine 505 with arginine.
Molecular consequence: missense variant. On other transcripts: non-coding transcript variant (1).
Genome position (GRCh38, 1-based): chr9:95,923,360, A>G. VCF-style: chr9-95923360-A-G. GRCh37 (hg19) VCF-style: chr9-98685642-A-G.
Other names: c.1514A>G, p.Lys505Arg (NM_001010895.4, NM_001375291.1, NM_001375292.1 and 2 more transcripts); short protein forms K505R.
Identifiers: ClinVar variation 2139065 (VCV002139065.3), dbSNP rs990090611, ClinGen allele CA196575466.
Genomic context (GRCh38, chr9:95,923,360, plus strand): 5'-GATTCCCAGATTTTGTGCAGAAAAGCAAAGATGCAGCCTTTGAAACACTTTCTGACCCTA[A>G]ATACAGTGGAAAAATGAAGGTAAGTGCTCCTCTTTCAGGTTGCATACAGACATGATACAC-3'
Protein context (NP_064592.3, residues 495-515): DAAFETLSDP[Lys505Arg]YSGKMKVLQQ